The following is an entry in ClinVar:

NM_000350.3(ABCA4):c.1317G>A (p.Trp439Ter)

Gene: ABCA4 (ATP binding cassette subfamily A member 4; minus strand). Cytogenetic location: 1p22.1.
Variant type: single nucleotide variant.
Coding change: c.1317G>A on transcript NM_000350.3 (MANE Select); coding-DNA position 1317, G replaced by A.
Protein change: p.Trp439Ter; replaces tryptophan 439 with a stop codon.
Molecular consequence: nonsense.
Genome position (GRCh38, 1-based): chr1:94,078,629, C>T on the plus strand (G>A on the coding strand, the complement: ABCA4 is on the minus strand). VCF-style: chr1-94078629-C-T. GRCh37 (hg19) VCF-style: chr1-94544185-C-T.
Other names: c.1317G>A, p.Trp439Ter (NM_001425324.1); short protein forms W439*.
Identifiers: ClinVar variation 99043 (VCV000099043.17), dbSNP rs61752391, ClinGen allele CA226882.

ClinVar aggregate classification (germline): Pathogenic. Review status: criteria provided, multiple submitters, no conflicts (2 of 4 stars). 6 submissions from 6 submitters: Pathogenic (5). 1 of the submissions does not count toward it. Last evaluated 2025-12-19.

Conditions:
ABCA4-related disorder. Also called: ABCA4-related disorders; ABCA4-related condition. Identifiers: MedGen CN239167.
Retinal disorder. Also called: Retinopathy; Retinopathies; Retinal Diseases; Retinal disorders. Identifiers: MedGen C0035309, MONDO:0005283, HP:0000488.

Allele frequency attached by ClinVar (database versions not stated): ExAC 0.00001.
gnomAD v4.1: 37 of 1,422,478 alleles (0.0026%); highest among the groups gnomAD compares: African/African-American, 0.0031%; no homozygotes.

Submissions (6):

3billion
Classification: Pathogenic for ABCA4-related disorder. Last evaluated: 2025-12-19. Review status: criteria provided, single submitter. Criteria: ACMG Guidelines, 2015. Collection method: clinical testing. Allele origin: germline. Affected: yes.
Comment: The variant is observed at an extremely low frequency in the gnomAD v4.1.0 dataset (total allele frequency: 0.003%). Predicted Consequence/Location: Stop-gained (nonsense): predicted to result in a loss or disruption of normal protein function through nonsense-mediated decay (NMD) or protein truncation. Multiple pathogenic variants are reported downstream of the variant. The variant has been reported at least twice as pathogenic with clinical assertions and evidence for the classification (ClinVar ID: VCV000099043 /PMID: 10958763). Therefore, this variant is classified as Pathogenic according to the recommendation of ACMG/AMP guideline.

Labcorp Genetics (formerly Invitae), Labcorp
Classification: Pathogenic. Last evaluated: 2025-12-17. Review status: criteria provided, single submitter. Criteria: Invitae Variant Classification Sherloc (09022015). Collection method: clinical testing. Allele origin: germline.
Comment: This sequence change creates a premature translational stop signal (p.Trp439*) in the ABCA4 gene. It is expected to result in an absent or disrupted protein product. Loss-of-function variants in ABCA4 are known to be pathogenic (PMID: 10958761, 24938718, 25312043, 26780318). This variant is present in population databases (rs61752391, gnomAD 0.002%). This premature translational stop signal has been observed in individuals with Stargardt disease or retinitis pigmentosa (PMID: 25472526, 28559085). ClinVar contains an entry for this variant (Variation ID: 99043). For these reasons, this variant has been classified as Pathogenic.

GeneDx
Classification: Pathogenic. Last evaluated: 2025-10-15. Review status: criteria provided, single submitter. Criteria: GeneDx Variant Classification Process June 2021. Collection method: clinical testing. Allele origin: germline. Affected: yes.
Comment: Identified in patients with ABCA4-related retinal dystrophies in published literature (PMID: 10958763, 23499370, 25472526); Nonsense variant predicted to result in protein truncation or nonsense mediated decay in a gene for which loss of function is a known mechanism of disease; Not observed at significant frequency in large population cohorts (gnomAD); This variant is associated with the following publications: (PMID: 35120629, 31964843, 32307445, 35456422, 28559085, 29925512, 25312043, 27820952, 23499370, 25472526, 25525159, 38219857, 10958763)

Genetics Laboratory, Great Ormond Street Hospital NHS Foundation Trust, North Thames Genomic Laboratory Hub
Classification: Pathogenic for Retinal disorders. Last evaluated: 2025-09-15. Review status: criteria provided, single submitter. Criteria: ACGS Best Practice Guidelines for Variant Classification in Rare Disease 2024 v1.2. Collection method: clinical testing. Allele origin: germline. Affected: yes.
Comment: PM2_moderate, PVS1_very-strong, PM3_moderate

Blueprint Genetics
Classification: Pathogenic for ABCA4-related disorders. Last evaluated: 2023-03-07. Review status: criteria provided, single submitter. Criteria: ACMG Guidelines, 2015. Collection method: clinical testing. Allele origin: germline. Affected: yes. Observed: 5 variant alleles.

Retina International
No classification provided. Review status: no classification provided. Collection method: not provided. Allele origin: not provided. Not counted in ClinVar's aggregate classification.

Literature cited by the submitters: PubMed 10958763 (cited by 3billion); PubMed 10958761 (cited by Labcorp Genetics (formerly Invitae), Labcorp); PubMed 24938718 (cited by Labcorp Genetics (formerly Invitae), Labcorp); PubMed 25312043 (cited by Labcorp Genetics (formerly Invitae), Labcorp); PubMed 26780318 (cited by Labcorp Genetics (formerly Invitae), Labcorp); PubMed 25472526 (cited by Labcorp Genetics (formerly Invitae), Labcorp); PubMed 28559085 (cited by Labcorp Genetics (formerly Invitae), Labcorp).